The following is an entry in ClinVar:

ClinVar aggregate classification (germline): Conflicting classifications of pathogenicity. Review status: criteria provided, conflicting classifications (1 of 4 stars). 2 submissions from 2 submitters: Pathogenic (1); Uncertain significance (1). Last evaluated 2025-10-27.

Conditions:
Infantile-onset ascending hereditary spastic paralysis (IAHSP). Also called: Autosomal Recessive Juvenile Amyotrophic Lateral Sclerosis; Infantile-Onset Ascending Hereditary Spastic Paralysis (IAHSP). Identifiers: Orphanet 293168, MedGen C2931441, MONDO:0011797, OMIM 607225. Disease mechanism: loss of function.

Allele frequency attached by ClinVar (database versions not stated): ExAC 0.00001; gnomAD 0.00001; gnomAD exomes 0.00001 and 0.00002.

Submissions (2):

Labcorp Genetics (formerly Invitae), Labcorp
Classification: Uncertain significance for Infantile-onset ascending hereditary spastic paralysis. Last evaluated: 2025-10-27. Review status: criteria provided, single submitter. Criteria: Invitae Variant Classification Sherloc (09022015). Collection method: clinical testing. Allele origin: germline.
Comment: This sequence change replaces proline, which is neutral and non-polar, with leucine, which is neutral and non-polar, at codon 192 of the ALS2 protein (p.Pro192Leu). This variant is present in population databases (rs778003334, gnomAD 0.009%). This missense change has been observed in individual(s) with amyotrophic lateral sclerosis (PMID: 28160950, 30581417, 34983064). ClinVar contains an entry for this variant (Variation ID: 988998). Invitae Evidence Modeling of protein sequence and biophysical properties (such as structural, functional, and spatial information, amino acid conservation, physicochemical variation, residue mobility, and thermodynamic stability) indicates that this missense variant is expected to disrupt ALS2 protein function with a positive predictive value of 80%. Experimental studies are conflicting or provide insufficient evidence to determine the effect of this variant on ALS2 function (PMID: 30224357). In summary, the available evidence is currently insufficient to determine the role of this variant in disease. Therefore, it has been classified as a Variant of Uncertain Significance.

Paris Brain Institute, Inserm - ICM
Classification: Pathogenic for Infantile-onset ascending hereditary spastic paralysis. Review status: criteria provided, single submitter. Criteria: ACMG Guidelines, 2015. Collection method: clinical testing. Allele origin: unknown. Affected: yes. Observed: 2 variant alleles.

Literature cited by the submitters: PubMed 28160950 (cited by Labcorp Genetics (formerly Invitae), Labcorp); PubMed 30581417 (cited by Labcorp Genetics (formerly Invitae), Labcorp); PubMed 34983064 (cited by Labcorp Genetics (formerly Invitae), Labcorp); PubMed 30224357 (cited by Labcorp Genetics (formerly Invitae), Labcorp).

NM_020919.4(ALS2):c.575C>T (p.Pro192Leu)

Gene: ALS2 (alsin Rho guanine nucleotide exchange factor ALS2; minus strand). Cytogenetic location: 2q33.1.
Variant type: single nucleotide variant.
Coding change: c.575C>T on transcript NM_020919.4 (MANE Select); coding-DNA position 575, C replaced by T.
Protein change: p.Pro192Leu; replaces proline 192 with leucine.
Molecular consequence: missense variant.
Genome position (GRCh38, 1-based): chr2:201,761,419, G>A on the plus strand (C>T on the coding strand, the complement: ALS2 is on the minus strand). VCF-style: chr2-201761419-G-A. GRCh37 (hg19) VCF-style: chr2-202626142-G-A.
Other names: c.575C>T, p.Pro192Leu (NM_001135745.2); short protein forms P192L.
Identifiers: ClinVar variation 988998 (VCV000988998.7), dbSNP rs778003334, ClinGen allele CA2058629.